The following is an entry in ClinVar:

NM_001098577.3(RPL31):c.359A>C (p.Asn120Thr)

Genes: RPL31 (ribosomal protein L31; plus strand), TBC1D8 (TBC1 domain family member 8; minus strand). Cytogenetic location: 2q11.2.
Variant type: single nucleotide variant.
Coding change: c.359A>C on transcript NM_001098577.3; coding-DNA position 359, A replaced by C.
Protein change: p.Asn120Thr; replaces asparagine 120 with threonine.
Molecular consequence: missense variant. On other transcripts: intron variant (2).
Genome position (GRCh38, 1-based): chr2:101,019,010, A>C. VCF-style: chr2-101019010-A-C. GRCh37 (hg19) VCF-style: chr2-101635472-A-C.
Other names: c.2782+2671T>G (NM_001102426.3); c.2827+2671T>G (NM_001330348.2); short protein forms N120T.
Identifiers: ClinVar variation 3344985 (VCV003344985.1).

ClinVar aggregate classification (germline): Uncertain significance (0 of 4 stars; one submission).

Conditions:
RPL31-related condition.

Submission:

PreventionGenetics, part of Exact Sciences
Classification: Uncertain significance for RPL31-related condition. Last evaluated: 2024-08-08. Review status: no assertion criteria provided. Collection method: clinical testing. Allele origin: germline.
Comment: The RPL31 c.359A>C variant is predicted to result in the amino acid substitution p.Asn120Thr. To our knowledge, this variant has not been reported in the literature or in a large population database, indicating this variant is rare. At this time, the clinical significance of this variant is uncertain due to the absence of conclusive functional and genetic evidence.